The following is an entry in ClinVar:

ClinVar aggregate classification (germline): Uncertain significance (1 of 4 stars; one submission).

Conditions:
Immunodeficiency 14 (IMD14A). Also called: ACTIVATED PI3K-DELTA SYNDROME 1; Activated PI3K Delta Syndrome Type 1 (APDS1); p110-DELTA-ACTIVATING MUTATION CAUSING SENESCENT T CELLS, LYMPHADENOPATHY, AND IMMUNODEFICIENCY; IMMUNODEFICIENCY 14A WITH LYMPHOPROLIFERATION, AUTOSOMAL DOMINANT. Identifiers: Orphanet 397596, Orphanet 693661, MedGen C5907821, MONDO:0014222, OMIM 615513.

Allele frequency attached by ClinVar (database versions not stated): gnomAD 0.00001; gnomAD exomes 0.00002 and 0.00004; TOPMed 0.00002; ExAC 0.00003.
gnomAD v4.1: 37 of 1,613,220 alleles (0.0023%); highest among the groups gnomAD compares: Middle Eastern, 0.033%; no homozygotes.

Submission:

Labcorp Genetics (formerly Invitae), Labcorp
Classification: Uncertain significance for Activated PI3K-delta syndrome. Last evaluated: 2026-01-08. Review status: criteria provided, single submitter. Criteria: Invitae Variant Classification Sherloc (09022015). Collection method: clinical testing. Allele origin: germline.
Comment: This sequence change replaces threonine, which is neutral and polar, with methionine, which is neutral and non-polar, at codon 604 of the PIK3CD protein (p.Thr604Met). This variant is present in population databases (rs754072203, gnomAD 0.02%). This variant has not been reported in the literature in individuals affected with PIK3CD-related conditions. ClinVar contains an entry for this variant (Variation ID: 1430163). An algorithm developed to predict the effect of missense changes on protein structure and function (PolyPhen-2) suggests that this variant is likely to be disruptive. In summary, the available evidence is currently insufficient to determine the role of this variant in disease. Therefore, it has been classified as a Variant of Uncertain Significance.

NM_005026.5(PIK3CD):c.1811C>T (p.Thr604Met)

Gene: PIK3CD (phosphatidylinositol-4,5-bisphosphate 3-kinase catalytic subunit delta; plus strand). Cytogenetic location: 1p36.22.
Variant type: single nucleotide variant.
Coding change: c.1811C>T on transcript NM_005026.5 (MANE Select); coding-DNA position 1811, C replaced by T.
Protein change: p.Thr604Met; replaces threonine 604 with methionine.
Molecular consequence: missense variant.
Genome position (GRCh38, 1-based): chr1:9,721,248, C>T. VCF-style: chr1-9721248-C-T. GRCh37 (hg19) VCF-style: chr1-9781306-C-T.
Other names: c.1808C>T, p.Thr603Met (NM_001350234.2); c.1724C>T, p.Thr575Met (NM_001350235.1); short protein forms T575M, T603M, T604M.
Identifiers: ClinVar variation 1430163 (VCV001430163.6), dbSNP rs754072203, ClinGen allele CA577329.